The following is an entry in ClinVar:

NM_004629.2(FANCG):c.389G>A (p.Cys130Tyr)

Gene: FANCG (FA complementation group G; minus strand). Cytogenetic location: 9p13.3.
Variant type: single nucleotide variant.
Coding change: c.389G>A on transcript NM_004629.2 (MANE Select); coding-DNA position 389, G replaced by A.
Protein change: p.Cys130Tyr; replaces cysteine 130 with tyrosine.
Molecular consequence: missense variant.
Genome position (GRCh38, 1-based): chr9:35,078,262, C>T on the plus strand (G>A on the coding strand, the complement: FANCG is on the minus strand). VCF-style: chr9-35078262-C-T. GRCh37 (hg19) VCF-style: chr9-35078259-C-T.
Other names: short protein forms C130Y.
Identifiers: ClinVar variation 3848394 (VCV003848394.1).

ClinVar aggregate classification (germline): Uncertain significance (1 of 4 stars; one submission).

Conditions:
Inborn genetic diseases. Identifiers: MedGen C0950123, MeSH D030342.

Submission:

Ambry Genetics
Classification: Uncertain significance for Inborn genetic diseases. Last evaluated: 2025-01-03. Review status: criteria provided, single submitter. Criteria: Ambry Variant Classification Scheme 2023. Collection method: clinical testing. Allele origin: germline.
Comment: The p.C130Y variant (also known as c.389G>A), located in coding exon 4 of the FANCG gene, results from a G to A substitution at nucleotide position 389. The cysteine at codon 130 is replaced by tyrosine, an amino acid with highly dissimilar properties. This amino acid position is conserved. In addition, this alteration is predicted to be tolerated by in silico analysis. Based on the available evidence, the clinical significance of this variant remains unclear.